The following is an entry in ClinVar:

NM_020975.6(RET):c.2366A>G (p.Lys789Arg)

Gene: RET (ret proto-oncogene; plus strand). Cytogenetic location: 10q11.21.
Variant type: single nucleotide variant.
Coding change: c.2366A>G on transcript NM_020975.6 (MANE Select); coding-DNA position 2366, A replaced by G.
Protein change: p.Lys789Arg; replaces lysine 789 with arginine.
Molecular consequence: missense variant.
Genome position (GRCh38, 1-based): chr10:43,118,454, A>G. VCF-style: chr10-43118454-A-G. GRCh37 (hg19) VCF-style: chr10-43613902-A-G.
Other names: c.2102A>G, p.Lys701Arg (NM_001406768.1); c.1970A>G, p.Lys657Arg (NM_001406769.1, NM_001406772.1); c.2078A>G, p.Lys693Arg (NM_001406770.1, NM_001406766.1, NM_001406767.1); c.1928A>G, p.Lys643Arg (NM_001406771.1, NM_001406773.1); c.1841A>G, p.Lys614Arg (NM_001406774.1); c.1640A>G, p.Lys547Arg (NM_001406775.1, NM_001406776.1, NM_001406777.1 and 1 more transcripts); c.1469A>G, p.Lys490Arg (NM_001406779.1, NM_001406780.1, NM_001406781.1 and 1 more transcripts); c.1340A>G, p.Lys447Arg (NM_001406783.1, NM_001406786.1); and 10 more; short protein forms K354R, K447R, K450R, K701R, K306R, K459R, K490R, K547R.
Identifiers: ClinVar variation 2568338 (VCV002568338.3), dbSNP rs894525969, ClinGen allele CA206264423.

ClinVar aggregate classification (germline): Uncertain significance (1 of 4 stars; one submission).

Conditions:
Hereditary cancer-predisposing syndrome. Also called: Hereditary neoplastic syndrome; Hereditary Cancer Syndrome; Neoplastic Syndromes, Hereditary; Tumor predisposition. Identifiers: Orphanet 140162, MedGen C0027672, MeSH D009386, MONDO:0015356.

Allele frequency attached by ClinVar (database versions not stated): gnomAD exomes below 0.00001; TOPMed below 0.00001.

Submission:

Ambry Genetics
Classification: Uncertain significance for Hereditary cancer-predisposing syndrome. Last evaluated: 2025-12-03. Review status: criteria provided, single submitter. Criteria: Ambry Variant Classification Scheme 2023. Collection method: clinical testing. Allele origin: germline.
Comment: The p.K789R variant (also known as c.2366A>G), located in coding exon 13 of the RET gene, results from an A to G substitution at nucleotide position 2366. The lysine at codon 789 is replaced by arginine, an amino acid with highly similar properties. This amino acid position is well conserved in available vertebrate species; however, arginine is the reference amino acid in other vertebrate species. In addition, the in silico prediction for this alteration is inconclusive. Based on the available evidence, the clinical significance of this variant remains unclear.